The following is an entry in ClinVar:

ClinVar aggregate classification (germline): Benign/Likely benign. Review status: criteria provided, multiple submitters, no conflicts (2 of 4 stars). 5 submissions from 5 submitters: Benign (1); Likely benign (4). Last evaluated 2026-08-01.

Conditions:
Hereditary cancer-predisposing syndrome. Also called: Hereditary neoplastic syndrome; Hereditary Cancer Syndrome; Neoplastic Syndromes, Hereditary; Tumor predisposition. Identifiers: Orphanet 140162, MedGen C0027672, MeSH D009386, MONDO:0015356.
POLD1-related polyposis and colorectal cancer syndrome (CRCS10). Also called: COLORECTAL CANCER, SUSCEPTIBILITY TO, ON CHROMOSOME 19q; Colorectal cancer 10; Colorectal cancer, susceptibility to, 10. Identifiers: Orphanet 220460, MedGen C2675481, MONDO:0012953, OMIM 612591.

Allele frequency attached by ClinVar (database versions not stated): gnomAD 0.00001; gnomAD exomes 0.00001; TOPMed 0.00001; ExAC 0.00002.
gnomAD v4.1: 15 of 1,599,706 alleles (0.00094%); highest among the groups gnomAD compares: African/African-American, 0.004%; no homozygotes.

Submissions (5):

CeGaT Center for Human Genetics Tuebingen
Classification: Likely benign. Last evaluated: 2026-08-01. Review status: criteria provided, single submitter. Criteria: CeGaT Center For Human Genetics Tuebingen Variant Classification Criteria Version 2. Collection method: clinical testing. Allele origin: germline. Affected: yes. Observed: 1 variant allele.
Comment: POLD1: BP4, BP7

Labcorp Genetics (formerly Invitae), Labcorp
Classification: Likely benign for POLD1-related polyposis and colorectal cancer syndrome. Last evaluated: 2026-01-01. Review status: criteria provided, single submitter. Criteria: Invitae Variant Classification Sherloc (09022015). Collection method: clinical testing. Allele origin: germline.

Myriad Genetics, Inc.
Classification: Benign for POLD1-related polyposis and colorectal cancer syndrome. Last evaluated: 2025-02-06. Review status: criteria provided, single submitter. Criteria: Myriad Autosomal Dominant, Autosomal Recessive and X-Linked Classification Criteria (2023). Collection method: clinical testing. Allele origin: unknown.
Comment: This variant is considered benign. This variant is a silent/synonymous amino acid change and it is not expected to impact splicing.

Ambry Genetics
Classification: Likely benign for Hereditary cancer-predisposing syndrome. Last evaluated: 2019-12-27. Review status: criteria provided, single submitter. Criteria: Ambry Variant Classification Scheme 2023. Collection method: clinical testing. Allele origin: germline.

GeneDx
Classification: Likely benign. Last evaluated: 2016-01-06. Review status: criteria provided, single submitter. Criteria: GeneDx Variant Classification (06012015). Collection method: clinical testing. Allele origin: germline. Affected: yes.
Comment: This variant is considered likely benign or benign based on one or more of the following criteria: it is a conservative change, it occurs at a poorly conserved position in the protein, it is predicted to be benign by multiple in silico algorithms, and/or has population frequency not consistent with disease.

NM_002691.4(POLD1):c.1428C>T (p.Ala476=)

Gene: POLD1 (DNA polymerase delta 1, catalytic subunit; plus strand). Cytogenetic location: 19q13.33.
Variant type: single nucleotide variant.
Coding change: c.1428C>T on transcript NM_002691.4 (MANE Select); coding-DNA position 1428, C replaced by T.
Protein change: p.Ala476=; no amino-acid change (alanine 476 retained).
Molecular consequence: synonymous variant. On other transcripts: non-coding transcript variant (1).
Genome position (GRCh38, 1-based): chr19:50,406,451, C>T. VCF-style: chr19-50406451-C-T. GRCh37 (hg19) VCF-style: chr19-50909708-C-T.
Other names: c.1428C>T, p.Ala476= (NM_001256849.1, NM_001308632.1).
Identifiers: ClinVar variation 239237 (VCV000239237.15), dbSNP rs761526047, ClinGen allele CA9596139.